The following is an entry in ClinVar:

ClinVar aggregate classification (germline): Uncertain significance. Review status: criteria provided, multiple submitters, no conflicts (2 of 4 stars). 6 submissions from 6 submitters: Uncertain significance (5). 1 of the submissions does not count toward it. Last evaluated 2026-07-23.

Conditions:
Mucopolysaccharidosis. Also called: Mucopolysaccharidoses. Identifiers: Orphanet 79213, MedGen C0026703, MeSH D009083, MONDO:0019249.
Inborn genetic diseases. Identifiers: MedGen C0950123, MeSH D030342.
IDUA-related disorder. Also called: IDUA-related condition.
Mucopolysaccharidosis type 1. Also called: IDUA deficiency; MPS I; Mucopolysaccharidosis Type I. Identifiers: Orphanet 579, MedGen C0023786, MONDO:0001586.

Allele frequency attached by ClinVar (database versions not stated): ExAC 0.00017; TOPMed 0.00023; ESP Exome Variant Server 0.00031; gnomAD 0.00010.
gnomAD v4.1: 469 of 1,568,078 alleles (0.03%); highest among the groups gnomAD compares: Non-Finnish European, 0.038%; no homozygotes.

Submissions (6):

PreventionGenetics, part of Exact Sciences
Classification: Uncertain significance for IDUA-related condition. Last evaluated: 2026-07-23. Review status: criteria provided, single submitter. Criteria: ACMG Guidelines, 2015. Collection method: clinical testing. Allele origin: germline.
Comment: The IDUA c.932C>T variant is predicted to result in the amino acid substitution p.Pro311Leu. To our knowledge, this variant has not been reported in the literature. This variant is reported in 0.026% of alleles in individuals of European (Non-Finnish) descent in gnomAD. At this time, the clinical significance of this variant is uncertain due to the absence of conclusive functional and genetic evidence.

GeneDx
Classification: Uncertain significance. Last evaluated: 2024-08-01. Review status: criteria provided, single submitter. Criteria: GeneDx Variant Classification Process June 2021. Collection method: clinical testing. Allele origin: germline. Affected: yes.
Comment: In silico analysis supports that this missense variant has a deleterious effect on protein structure/function; Has not been previously published as pathogenic or benign to our knowledge

Johns Hopkins Genomics, Johns Hopkins University
Classification: Uncertain significance for Mucopolysaccharidosis. Last evaluated: 2024-04-08. Review status: criteria provided, single submitter. Criteria: ACMG Guidelines, 2015. Collection method: clinical testing. Allele origin: germline.
Comment: This IDUA missense variant (rs377684568) is rare (<0.1%) in a large population dataset (gnomAD v4.0.0: 469/1568078 total alleles; 0.03%; no homozygotes). It has been reported in ClinVar (Variation ID 648087), but has not been reported in the literature, to our knowledge. Two bioinformatic tools queried predict that this substitution would be tolerated. The proline residue at this position is evolutionarily conserved across some of the species assessed, while several have a different amino acid including a few species that have leucine. We consider the clinical significance of c.932C>T in IDUA to be uncertain at this time.

Ambry Genetics
Classification: Uncertain significance for Inborn genetic diseases. Last evaluated: 2023-07-13. Review status: criteria provided, single submitter. Criteria: Ambry Variant Classification Scheme 2023. Collection method: clinical testing. Allele origin: germline.
Comment: The p.P311L variant (also known as c.932C>T), located in coding exon 7 of the IDUA gene, results from a C to T substitution at nucleotide position 932. The proline at codon 311 is replaced by leucine, an amino acid with similar properties. This amino acid position is conserved. In addition, the in silico prediction for this alteration is inconclusive. Since supporting evidence is limited at this time, the clinical significance of this alteration remains unclear.

Labcorp Genetics (formerly Invitae), Labcorp
Classification: Uncertain significance for Mucopolysaccharidosis type 1. Last evaluated: 2022-10-02. Review status: criteria provided, single submitter. Criteria: Invitae Variant Classification Sherloc (09022015). Collection method: clinical testing. Allele origin: germline.
Comment: This sequence change replaces proline, which is neutral and non-polar, with leucine, which is neutral and non-polar, at codon 311 of the IDUA protein (p.Pro311Leu). This variant is present in population databases (rs377684568, gnomAD 0.03%). This variant has not been reported in the literature in individuals affected with IDUA-related conditions. ClinVar contains an entry for this variant (Variation ID: 648087). Advanced modeling of protein sequence and biophysical properties (such as structural, functional, and spatial information, amino acid conservation, physicochemical variation, residue mobility, and thermodynamic stability) performed at Invitae indicates that this missense variant is not expected to disrupt IDUA protein function. In summary, the available evidence is currently insufficient to determine the role of this variant in disease. Therefore, it has been classified as a Variant of Uncertain Significance.

Natera, Inc.
Classification: Uncertain significance for Mucopolysaccharidosis type I. Last evaluated: 2020-09-16. Review status: no assertion criteria provided. Collection method: clinical testing. Allele origin: germline. Not counted in ClinVar's aggregate classification.

NM_000203.5(IDUA):c.932C>T (p.Pro311Leu)

Gene: IDUA (alpha-L-iduronidase; plus strand). Cytogenetic location: 4p16.3.
Variant type: single nucleotide variant.
Coding change: c.932C>T on transcript NM_000203.5 (MANE Select); coding-DNA position 932, C replaced by T.
Protein change: p.Pro311Leu; replaces proline 311 with leucine.
Molecular consequence: missense variant. On other transcripts: non-coding transcript variant (1).
Genome position (GRCh38, 1-based): chr4:1,002,121, C>T. VCF-style: chr4-1002121-C-T. GRCh37 (hg19) VCF-style: chr4-995909-C-T.
Other names: c.536C>T, p.Pro179Leu (NM_001363576.1); c.932C>T (NM_000203.3); short protein forms P179L, P311L.
Identifiers: ClinVar variation 648087 (VCV000648087.8), dbSNP rs377684568, ClinGen allele CA2802123.